The following is an entry in ClinVar:

NM_004972.4(JAK2):c.188T>C (p.Val63Ala)

Genes: INSL6 (insulin like 6; minus strand), JAK2 (Janus kinase 2; plus strand). Cytogenetic location: 9p24.1.
Variant type: single nucleotide variant.
Coding change: c.188T>C on transcript NM_004972.4 (MANE Select); coding-DNA position 188, T replaced by C.
Protein change: p.Val63Ala; replaces valine 63 with alanine.
Molecular consequence: missense variant. On other transcripts: 5 prime UTR variant (2), non-coding transcript variant (2).
Genome position (GRCh38, 1-based): chr9:5,022,175, T>C. VCF-style: chr9-5022175-T-C. GRCh37 (hg19) VCF-style: chr9-5022175-T-C.
Other names: c.188T>C, p.Val63Ala (NM_001322194.2, NM_001322195.2, NM_001322196.2); c.-933T>C (NM_001322198.2, NM_001322199.2); short protein forms V63A.
Identifiers: ClinVar variation 2996503 (VCV002996503.3), dbSNP rs1211921813, ClinGen allele CA372819907.

ClinVar aggregate classification (germline): Uncertain significance (1 of 4 stars; one submission).

Allele frequency attached by ClinVar (database versions not stated): TOPMed 0.00001; gnomAD exomes 0.00001.
gnomAD v4.1: 3 of 1,614,202 alleles (0.00019%); highest among the groups gnomAD compares: Admixed American, 0.0017%; no homozygotes.

Submission:

Labcorp Genetics (formerly Invitae), Labcorp
Classification: Uncertain significance. Last evaluated: 2025-12-03. Review status: criteria provided, single submitter. Criteria: Invitae Variant Classification Sherloc (09022015). Collection method: clinical testing. Allele origin: germline.
Comment: This sequence change replaces valine, which is neutral and non-polar, with alanine, which is neutral and non-polar, at codon 63 of the JAK2 protein (p.Val63Ala). This variant is present in population databases (no rsID available, gnomAD 0.003%). This variant has not been reported in the literature in individuals affected with JAK2-related conditions. ClinVar contains an entry for this variant (Variation ID: 2996503). Invitae Evidence Modeling of protein sequence and biophysical properties (such as structural, functional, and spatial information, amino acid conservation, physicochemical variation, residue mobility, and thermodynamic stability) indicates that this missense variant is not expected to disrupt JAK2 protein function with a negative predictive value of 95%. In summary, the available evidence is currently insufficient to determine the role of this variant in disease. Therefore, it has been classified as a Variant of Uncertain Significance.